The following is an entry in ClinVar:

NM_004725.4(BUB3):c.629C>G (p.Pro210Arg)

Gene: BUB3 (BUB3 mitotic checkpoint protein; plus strand). Cytogenetic location: 10q26.13.
Variant type: single nucleotide variant.
Coding change: c.629C>G on transcript NM_004725.4 (MANE Select); coding-DNA position 629, C replaced by G.
Protein change: p.Pro210Arg; replaces proline 210 with arginine.
Molecular consequence: missense variant.
Genome position (GRCh38, 1-based): chr10:123,162,288, C>G. VCF-style: chr10-123162288-C-G. GRCh37 (hg19) VCF-style: chr10-124921804-C-G.
Other names: c.629C>G, p.Pro210Arg (NM_001007793.3); short protein forms P210R.
Identifiers: ClinVar variation 3483280 (VCV003483280.1).

ClinVar aggregate classification (germline): Uncertain significance (1 of 4 stars; one submission).

Submission:

Ambry Genetics
Classification: Uncertain significance. Last evaluated: 2024-07-28. Review status: criteria provided, single submitter. Criteria: Ambry Variant Classification Scheme 2023. Collection method: clinical testing. Allele origin: germline.
Comment: The p.P210R variant (also known as c.629C>G), located in coding exon 5 of the BUB3 gene, results from a C to G substitution at nucleotide position 629. The proline at codon 210 is replaced by arginine, an amino acid with dissimilar properties. This amino acid position is conserved. In addition, this alteration is predicted to be deleterious by in silico analysis. Based on the available evidence, the clinical significance of this variant remains unclear.